The following is an entry in ClinVar:

ClinVar aggregate classification (germline): Uncertain significance (1 of 4 stars; one submission).

Conditions:
Neurofibromatosis, type 1 (NF1). Also called: Peripheral type neurofibromatosis; NEUROFIBROMATOSIS, TYPE I, SOMATIC; VON RECKLINGHAUSEN DISEASE; Neurofibromatosis, type I. Identifiers: Orphanet 636, MedGen C0027831, MONDO:0018975, OMIM 162200. Disease mechanism: loss of function.

Submission:

Labcorp Genetics (formerly Invitae), Labcorp
Classification: Uncertain significance for Neurofibromatosis, type 1. Last evaluated: 2023-07-26. Review status: criteria provided, single submitter. Criteria: Invitae Variant Classification Sherloc (09022015). Collection method: clinical testing. Allele origin: germline.
Comment: In summary, the available evidence is currently insufficient to determine the role of this variant in disease. Therefore, it has been classified as a Variant of Uncertain Significance. Advanced modeling of protein sequence and biophysical properties (such as structural, functional, and spatial information, amino acid conservation, physicochemical variation, residue mobility, and thermodynamic stability) performed at Invitae indicates that this missense variant is not expected to disrupt NF1 protein function. This variant has not been reported in the literature in individuals affected with NF1-related conditions. This variant is not present in population databases (gnomAD no frequency). This sequence change replaces glycine, which is neutral and non-polar, with aspartic acid, which is acidic and polar, at codon 875 of the NF1 protein (p.Gly875Asp).

NM_001042492.3(NF1):c.2624G>A (p.Gly875Asp)

Gene: NF1 (neurofibromin 1; plus strand). Cytogenetic location: 17q11.2.
Variant type: single nucleotide variant.
Coding change: c.2624G>A on transcript NM_001042492.3 (MANE Select); coding-DNA position 2624, G replaced by A.
Protein change: p.Gly875Asp; replaces glycine 875 with aspartic acid.
Molecular consequence: missense variant.
Genome position (GRCh38, 1-based): chr17:31,229,239, G>A. VCF-style: chr17-31229239-G-A. GRCh37 (hg19) VCF-style: chr17-29556257-G-A.
Other names: c.2624G>A, p.Gly875Asp (NM_000267.4); short protein forms G875D.
Identifiers: ClinVar variation 2747009 (VCV002747009.3), dbSNP rs1060500361, ClinGen allele CA398984522.